The following is an entry in ClinVar:

NM_020822.3(KCNT1):c.20del (p.Ala7fs)

Gene: KCNT1 (potassium sodium-activated channel subfamily T member 1; plus strand). Cytogenetic location: 9q34.3.
Variant type: Deletion.
Coding change: c.20del on transcript NM_020822.3 (MANE Select); coding-DNA position 20, one base deleted (C; older notation c.20delC).
Protein change: p.Ala7fs; shifts the reading frame from alanine 7.
Molecular consequence: frameshift variant.
Genome position (GRCh38, 1-based): chr9:135,702,278, C deleted. VCF-style (leftmost placement, unchanged base first): chr9-135702277-GC-G. GRCh37 (hg19) VCF-style: chr9-138594123-GC-G.
Other names: c.20del, p.Ala7fs (NM_001272003.2); short protein forms A7fs.
Identifiers: ClinVar variation 1320234 (VCV001320234.2), dbSNP rs757568103, ClinGen allele CA5326221.

ClinVar aggregate classification (germline): Likely benign (1 of 4 stars; one submission).

Conditions:
Developmental and epileptic encephalopathy, 14 (DEE14). Also called: Early infantile epileptic encephalopathy 14. Identifiers: Orphanet 293181, MedGen C3554195, MONDO:0013989, OMIM 614959.

Allele frequency attached by ClinVar (database versions not stated): gnomAD exomes below 0.00001 and 0.00001; TOPMed below 0.00001; ExAC 0.00001; gnomAD 0.00001.

Submission:

3billion
Classification: Likely benign for Developmental and epileptic encephalopathy, 14. Last evaluated: 2022-07-26. Review status: criteria provided, single submitter. Criteria: ACMG Guidelines, 2015. Collection method: clinical testing. Allele origin: unknown. Affected: yes. Observed: 1 heterozygote.
Comment: It is observed at an extremely low frequency in the gnomAD v2.1.1 dataset (total allele frequency: 0.0000085, PM2).But, it has been reported in unaffected individual(s) (3billion dataset). Therefore, the variant was classified as likely benign